The following is an entry in ClinVar:

ClinVar aggregate classification (germline): Uncertain significance (1 of 4 stars; one submission).

gnomAD v4.1: 52 of 1,609,058 alleles (0.0032%); highest among the groups gnomAD compares: East Asian, 0.11%; no homozygotes.

Submission:

GeneDx
Classification: Uncertain significance. Last evaluated: 2024-10-04. Review status: criteria provided, single submitter. Criteria: GeneDx Variant Classification Process June 2021. Collection method: clinical testing. Allele origin: germline. Affected: yes.
Comment: In silico analysis indicates that this missense variant does not alter protein structure/function; Has not been previously published as pathogenic or benign to our knowledge

NM_032340.4(UQCC2):c.7G>C (p.Ala3Pro)

Gene: UQCC2 (ubiquinol-cytochrome c reductase complex assembly factor 2; minus strand). Cytogenetic location: 6p21.31.
Variant type: single nucleotide variant.
Coding change: c.7G>C on transcript NM_032340.4 (MANE Select); coding-DNA position 7, G replaced by C.
Protein change: p.Ala3Pro; replaces alanine 3 with proline.
Molecular consequence: missense variant.
Genome position (GRCh38, 1-based): chr6:33,711,680, C>G on the plus strand (G>C on the coding strand, the complement: UQCC2 is on the minus strand). VCF-style: chr6-33711680-C-G. GRCh37 (hg19) VCF-style: chr6-33679457-C-G.
Other names: short protein forms A3P.
Identifiers: ClinVar variation 3776588 (VCV003776588.1).
Genomic context (GRCh38, chr6:33,711,680, plus strand): 5'-GTTTGGTCTCGTCCACTGGCCATTCCTCACAGAGCTTAAGAAAACGCCGGTACCGGCTGG[C>G]CGCCATCTTGGGCCCCGCGTGTTCCCGCCTTAGCGGGAGGAGTCGGCGCCGACGAATGGC-3'
Protein context (NP_115716.1, residues 1-13): MA[Ala3Pro]SRYRRFLKLC